The following is an entry in ClinVar:

ClinVar aggregate classification (germline): Pathogenic (1 of 4 stars; one submission).

Conditions:
Neurofibromatosis, type 1 (NF1). Also called: VON RECKLINGHAUSEN DISEASE; Neurofibromatosis, type I; Peripheral type neurofibromatosis; NEUROFIBROMATOSIS, TYPE I, SOMATIC. Identifiers: Orphanet 636, MedGen C0027831, MONDO:0018975, OMIM 162200. Disease mechanism: loss of function.

Submission:

Labcorp Genetics (formerly Invitae), Labcorp
Classification: Pathogenic for Neurofibromatosis, type 1. Last evaluated: 2023-08-30. Review status: criteria provided, single submitter. Criteria: Invitae Variant Classification Sherloc (09022015). Collection method: clinical testing. Allele origin: unknown.
Comment: For these reasons, this variant has been classified as Pathogenic. This variant has not been reported in the literature in individuals affected with NF1-related conditions. This variant is a gross deletion of the genomic region encompassing exon(s) 31-34 of the NF1 gene. This deletion is out-of-frame, and is expected to create a premature termination codon and result in an absent or disrupted protein product. Loss-of-function variants in NF1 are known to be pathogenic (PMID: 10712197, 23913538).

Literature cited by the submitters: PubMed 10712197; PubMed 23913538.

NC_000017.10:g.(?_29585342)_(29588895_?)del

Gene: NF1 (neurofibromin 1; plus strand). Cytogenetic location: 17q11.2.
Variant type: Deletion.
Identifiers: ClinVar variation 3242863 (VCV003242863.1).